The following is an entry in ClinVar:

ClinVar aggregate classification (germline): Uncertain significance. Review status: criteria provided, multiple submitters, no conflicts (2 of 4 stars). 2 submissions from 2 submitters: Uncertain significance (2). Last evaluated 2025-07-14.

Conditions:
Familial thoracic aortic aneurysm and aortic dissection (TAAD). Also called: Thoracic aortic aneurysms and dissections. Identifiers: Orphanet 91387, MedGen C4707243, MONDO:0019625.

Submissions (2):

Color Diagnostics, LLC DBA Color Health
Classification: Uncertain significance for Familial thoracic aortic aneurysm and aortic dissection. Last evaluated: 2025-07-14. Review status: criteria provided, single submitter. Criteria: ACMG Guidelines, 2015. Collection method: clinical testing. Allele origin: germline.
Comment: This missense variant replaces proline with histidine at codon 109 of the FBN1 protein. Computational prediction is inconclusive regarding the impact of this variant on protein structure and function. To our knowledge, functional studies have not been reported for this variant. This variant has not been reported in individuals affected with FBN1-related disorders in the literature. This variant has not been identified in the general population by the Genome Aggregation Database (gnomAD). The available evidence is insufficient to determine the role of this variant in disease conclusively. Therefore, this variant is classified as a Variant of Uncertain Significance.

GeneDx
Classification: Uncertain significance. Last evaluated: 2025-03-10. Review status: criteria provided, single submitter. Criteria: GeneDx Variant Classification Process June 2021. Collection method: clinical testing. Allele origin: germline. Affected: yes.
Comment: Not observed at significant frequency in large population cohorts (gnomAD); In silico analysis supports that this missense variant has a deleterious effect on protein structure/function; Has not been previously published as pathogenic or benign to our knowledge; Does not affect a cysteine or calcium-binding residue within an EGF-like domain or a TGF-binding protein domain of the FBN1 gene; cysteine substitutions in the EGF-like domains represent the majority of pathogenic missense changes associated with FBN1-related disorders (PMID: 12938084); This variant is associated with the following publications: (PMID: 12938084)

NM_000138.5(FBN1):c.326C>A (p.Pro109His)

Gene: FBN1 (fibrillin 1; minus strand). Cytogenetic location: 15q21.1.
Variant type: single nucleotide variant.
Coding change: c.326C>A on transcript NM_000138.5 (MANE Select); coding-DNA position 326, C replaced by A.
Protein change: p.Pro109His; replaces proline 109 with histidine.
Molecular consequence: missense variant.
Genome position (GRCh38, 1-based): chr15:48,610,748, G>T on the plus strand (C>A on the coding strand, the complement: FBN1 is on the minus strand). VCF-style: chr15-48610748-G-T. GRCh37 (hg19) VCF-style: chr15-48902945-G-T.
Other names: c.326C>A, p.Pro109His (NM_001406716.1, NM_001406717.1); short protein forms P109H.
Identifiers: ClinVar variation 4083234 (VCV004083234.2).